The following is an entry in ClinVar:

NM_001378454.1(ALMS1):c.8210C>T (p.Thr2737Ile)

Gene: ALMS1 (ALMS1 centrosome and basal body associated protein; plus strand). Cytogenetic location: 2p13.1.
Variant type: single nucleotide variant.
Coding change: c.8210C>T on transcript NM_001378454.1 (MANE Select); coding-DNA position 8210, C replaced by T.
Protein change: p.Thr2737Ile; replaces threonine 2737 with isoleucine.
Molecular consequence: missense variant.
Genome position (GRCh38, 1-based): chr2:73,490,169, C>T. VCF-style: chr2-73490169-C-T. GRCh37 (hg19) VCF-style: chr2-73717296-C-T.
Other names: c.8213C>T, p.Thr2738Ile (NM_015120.4); short protein forms T2737I, T2738I.
Identifiers: ClinVar variation 1762483 (VCV001762483.4), dbSNP rs777171271, ClinGen allele CA1714426.
Genomic context (GRCh38, chr2:73,490,169, plus strand): 5'-TTTCATCTCACCGACATTCTAAATGCATTTCCAATTCCTCTGTTGTTAAGGTTGGTGTTA[C>T]TGAAGGTAGCCAGTGTACTGGAGCATCTGTGGGGGTATTTAATTCTCATTTCACTGAAGA-3'
Protein context (NP_001365383.1, residues 2727-2747): SNSSVVKVGV[Thr2737Ile]EGSQCTGASV

ClinVar aggregate classification (germline): Uncertain significance. Review status: criteria provided, multiple submitters, no conflicts (2 of 4 stars). 2 submissions from 2 submitters: Uncertain significance (2). Last evaluated 2025-05-05.

Conditions:
Cardiovascular phenotype. Identifiers: MedGen CN230736.

Allele frequency attached by ClinVar (database versions not stated): TOPMed below 0.00001; ExAC 0.00002.
gnomAD v4.1: 21 of 1,614,142 alleles (0.0013%); highest among the groups gnomAD compares: South Asian, 0.022%; no homozygotes.

Submissions (2):

Ambry Genetics
Classification: Uncertain significance for Cardiovascular phenotype. Last evaluated: 2025-05-05. Review status: criteria provided, single submitter. Criteria: Ambry Variant Classification Scheme 2023. Collection method: clinical testing. Allele origin: germline.
Comment: The p.T2738I variant (also known as c.8213C>T), located in coding exon 10 of the ALMS1 gene, results from a C to T substitution at nucleotide position 8213. The threonine at codon 2738 is replaced by isoleucine, an amino acid with similar properties. This amino acid position is well conserved in available vertebrate species. In addition, this alteration is predicted to be tolerated by in silico analysis. Based on the available evidence, the clinical significance of this variant remains unclear.

GeneDx
Classification: Uncertain significance. Last evaluated: 2024-07-28. Review status: criteria provided, single submitter. Criteria: GeneDx Variant Classification Process June 2021. Collection method: clinical testing. Allele origin: germline. Affected: yes.
Comment: In silico analysis supports that this missense variant has a deleterious effect on protein structure/function; Has not been previously published as pathogenic or benign to our knowledge